The following is an entry in ClinVar:

NM_000433.4(NCF2):c.924+2T>C

Gene: NCF2 (neutrophil cytosolic factor 2; minus strand). Cytogenetic location: 1q25.3.
Variant type: single nucleotide variant.
Coding change: c.924+2T>C on transcript NM_000433.4 (MANE Select); the canonical splice donor site of the intron after coding-DNA position 924, T replaced by C.
Molecular consequence: splice donor variant.
Genome position (GRCh38, 1-based): chr1:183,566,918, A>G on the plus strand (T>C on the coding strand, the complement: NCF2 is on the minus strand). VCF-style: chr1-183566918-A-G. GRCh37 (hg19) VCF-style: chr1-183536053-A-G.
Other names: c.816+2T>C (NM_001410895.1); c.924+2T>C (NM_001127651.3); c.681+2T>C (NM_001190789.2); c.789+2T>C (NM_001190794.2).
Identifiers: ClinVar variation 4716360 (VCV004716360.1).
Genomic context (GRCh38, chr1:183,566,918, plus strand): 5'-CCCTCCAGGGAGAGATCCCTAAAGGGTGAGAGGAAATGGGTCAGGCCTTGGCATCACATT[A>G]CCTGGGGCTGCTGCTGAGGGTGGATCCGCAGCTCAACTGGTTCAAGGTAGTTGCAGGGAA-3'

ClinVar aggregate classification (germline): Likely pathogenic (1 of 4 stars; one submission).

Conditions:
Granulomatous disease, chronic, autosomal recessive, cytochrome b-positive, type 2. Also called: Chronic granulomatous disease due to deficiency of NCF-2; Chronic Granulomatous Disease, Autosomal Recessive, Cytochrome b-Positive, Type II; CGD, AUTOSOMAL RECESSIVE CYTOCHROME b-POSITIVE, TYPE II; GRANULOMATOUS DISEASE, CHRONIC, DUE TO NCF2 DEFICIENCY; GRANULOMATOUS DISEASE, CHRONIC, AUTOSOMAL RECESSIVE, 2. Identifiers: Orphanet 379, MedGen C1856245, MONDO:0009310, OMIM 233710.

Submission:

Labcorp Genetics (formerly Invitae), Labcorp
Classification: Likely pathogenic for Granulomatous disease, chronic, autosomal recessive, cytochrome b-positive, type 2. Last evaluated: 2025-04-07. Review status: criteria provided, single submitter. Criteria: Invitae Variant Classification Sherloc (09022015). Collection method: clinical testing. Allele origin: germline.
Comment: This sequence change affects a donor splice site in intron 9 of the NCF2 gene. It is expected to disrupt RNA splicing. Variants that disrupt the donor or acceptor splice site typically lead to a loss of protein function (PMID: 16199547), and loss-of-function variants in NCF2 are known to be pathogenic (PMID: 10498624, 20167518). This variant is not present in population databases (gnomAD no frequency). This variant has not been reported in the literature in individuals affected with NCF2-related conditions. Algorithms developed to predict the effect of sequence changes on RNA splicing suggest that this variant may disrupt the consensus splice site. In summary, the currently available evidence indicates that the variant is pathogenic, but additional data are needed to prove that conclusively. Therefore, this variant has been classified as Likely Pathogenic.

Literature cited by the submitters: PubMed 16199547; PubMed 10498624; PubMed 20167518.